The following is an entry in ClinVar:

NM_001283009.2(RTEL1):c.3109+14G>T

Genes: RTEL1 (regulator of telomere elongation helicase 1; plus strand), RTEL1-TNFRSF6B (RTEL1-TNFRSF6B readthrough (NMD candidate); plus strand). Cytogenetic location: 20q13.33.
Variant type: single nucleotide variant.
Coding change: c.3109+14G>T on transcript NM_001283009.2 (MANE Select); 14 bases into the intron after coding-DNA position 3109, G replaced by T.
Molecular consequence: intron variant.
Genome position (GRCh38, 1-based): chr20:63,694,502, G>T. VCF-style: chr20-63694502-G-T. GRCh37 (hg19) VCF-style: chr20-62325855-G-T.
Other names: c.3109+14G>T (NM_016434.4); c.2440+14G>T (NM_001283010.1); c.3181+14G>T (NM_032957.5).
Identifiers: ClinVar variation 2948189 (VCV002948189.3), dbSNP rs753155882, ClinGen allele CA2740094625.

ClinVar aggregate classification (germline): Uncertain significance (1 of 4 stars; one submission).

Conditions:
Pulmonary fibrosis and/or bone marrow failure, Telomere-related, 3. Also called: PULMONARY FIBROSIS AND/OR BONE MARROW FAILURE SYNDROME, TELOMERE-RELATED, 3. Identifiers: Orphanet 2032, MedGen C4225346, MONDO:0014613, OMIM 616373.
Dyskeratosis congenita, autosomal recessive 5 (DKCB5). Identifiers: MedGen C3554656, MONDO:0014076, OMIM 615190.

Submission:

Labcorp Genetics (formerly Invitae), Labcorp
Classification: Uncertain significance for Dyskeratosis congenita, autosomal recessive 5; Pulmonary fibrosis and/or bone marrow failure, Telomere-related, 3. Last evaluated: 2023-05-24. Review status: criteria provided, single submitter. Criteria: Invitae Variant Classification Sherloc (09022015). Collection method: clinical testing. Allele origin: germline.
Comment: In summary, the available evidence is currently insufficient to determine the role of this variant in disease. Therefore, it has been classified as a Variant of Uncertain Significance. Algorithms developed to predict the effect of sequence changes on RNA splicing suggest that this variant may disrupt the consensus splice site. This variant has not been reported in the literature in individuals affected with RTEL1-related conditions. This variant is not present in population databases (gnomAD no frequency). This sequence change falls in intron 31 of the RTEL1 gene. It does not directly change the encoded amino acid sequence of the RTEL1 protein.